The following is an entry in ClinVar:

NM_002878.4(RAD51D):c.939C>A (p.Thr313=)

Genes: RAD51D (RAD51 paralog D; minus strand), RAD51L3-RFFL (RAD51L3-RFFL readthrough; minus strand). Cytogenetic location: 17q12.
Variant type: single nucleotide variant.
Coding change: c.939C>A on transcript NM_002878.4 (MANE Select); coding-DNA position 939, C replaced by A.
Protein change: p.Thr313=; no amino-acid change (threonine 313 retained).
Molecular consequence: synonymous variant. On other transcripts: non-coding transcript variant (2).
Genome position (GRCh38, 1-based): chr17:35,101,001, G>T on the plus strand (C>A on the coding strand, the complement: RAD51D is on the minus strand). VCF-style: chr17-35101001-G-T. GRCh37 (hg19) VCF-style: chr17-33428020-G-T.
Other names: c.603C>A, p.Thr201= (NM_133629.3); c.999C>A, p.Thr333= (NM_001142571.2).
Identifiers: ClinVar variation 630700 (VCV000630700.11), dbSNP rs374318553, ClinGen allele CA499728598.

ClinVar aggregate classification (germline): Benign/Likely benign. Review status: criteria provided, multiple submitters, no conflicts (2 of 4 stars). 3 submissions from 3 submitters: Benign (1); Likely benign (2). Last evaluated 2025-02-25.

Conditions:
Hereditary cancer-predisposing syndrome. Also called: Tumor predisposition; Neoplastic Syndromes, Hereditary; Hereditary neoplastic syndrome; Hereditary Cancer Syndrome. Identifiers: Orphanet 140162, MedGen C0027672, MeSH D009386, MONDO:0015356.
Breast-ovarian cancer, familial, susceptibility to, 4. Identifiers: Orphanet 145, MedGen C3280345, MONDO:0013669, OMIM 614291.

Submissions (3):

Myriad Genetics, Inc.
Classification: Benign for Breast-ovarian cancer, familial, susceptibility to, 4. Last evaluated: 2025-02-25. Review status: criteria provided, single submitter. Criteria: Myriad Autosomal Dominant, Autosomal Recessive and X-Linked Classification Criteria (2023). Collection method: clinical testing. Allele origin: unknown.
Comment: This variant is considered benign. This variant is a silent/synonymous amino acid change and it is not expected to impact splicing.

Labcorp Genetics (formerly Invitae), Labcorp
Classification: Likely benign for Breast-ovarian cancer, familial, susceptibility to, 4. Last evaluated: 2024-12-18. Review status: criteria provided, single submitter. Criteria: Invitae Variant Classification Sherloc (09022015). Collection method: clinical testing. Allele origin: germline.

Color Diagnostics, LLC DBA Color Health
Classification: Likely benign for Hereditary cancer-predisposing syndrome. Last evaluated: 2017-10-16. Review status: criteria provided, single submitter. Criteria: ACMG Guidelines, 2015. Collection method: clinical testing. Allele origin: germline.